The following is an entry in ClinVar:

NM_004863.4(SPTLC2):c.1570_1572delinsATC (p.Ala524Ile)

Gene: SPTLC2 (serine palmitoyltransferase long chain base subunit 2; minus strand). Cytogenetic location: 14q24.3.
Variant type: Indel.
Coding change: c.1570_1572delinsATC on transcript NM_004863.4 (MANE Select); coding-DNA positions 1570 to 1572, GCT replaced by ATC.
Protein change: p.Ala524Ile; replaces alanine 524 with isoleucine.
Molecular consequence: missense variant.
Genome position (GRCh38, 1-based): chr14:77,512,401-77,512,403, AGC replaced by GAT on the plus strand (GCT replaced by ATC on the coding strand, the reverse complement: SPTLC2 is on the minus strand). VCF-style: chr14-77512401-AGC-GAT. GRCh37 (hg19) VCF-style: chr14-77978744-AGC-GAT.
Other names: short protein forms A524I.
Identifiers: ClinVar variation 1041071 (VCV001041071.7), dbSNP rs2079337088, ClinGen allele CA2148425765.

ClinVar aggregate classification (germline): Uncertain significance (1 of 4 stars; one submission).

Conditions:
Neuropathy, hereditary sensory and autonomic, type 1C. Also called: HSAN IC; HSN IC. Identifiers: Orphanet 36386, MedGen C3150896, MONDO:0013337, OMIM 613640.

Submission:

Labcorp Genetics (formerly Invitae), Labcorp
Classification: Uncertain significance for Neuropathy, hereditary sensory and autonomic, type 1C. Last evaluated: 2020-07-21. Review status: criteria provided, single submitter. Criteria: Invitae Variant Classification Sherloc (09022015). Collection method: clinical testing. Allele origin: germline.
Comment: In summary, the available evidence is currently insufficient to determine the role of this variant in disease. Therefore, it has been classified as a Variant of Uncertain Significance. Algorithms developed to predict the effect of sequence changes on RNA splicing suggest that this variant may create or strengthen a splice site, but this prediction has not been confirmed by published transcriptional studies. Algorithms developed to predict the effect of missense changes on protein structure and function are either unavailable or do not agree on the potential impact of this missense change (SIFT: "Not Available"; PolyPhen-2: "Benign"; Align-GVGD: "Not Available"). This variant has not been reported in the literature in individuals with SPTLC2-related conditions. This variant is not present in population databases (ExAC no frequency). This sequence change replaces alanine with isoleucine at codon 524 of the SPTLC2 protein (p.Ala524Ile). The alanine residue is moderately conserved and there is a moderate physicochemical difference between alanine and isoleucine.